The following is an entry in ClinVar:

NM_001034853.2(RPGR):c.503C>A (p.Ser168Tyr)

Gene: RPGR (retinitis pigmentosa GTPase regulator; minus strand). Cytogenetic location: Xp11.4.
Variant type: single nucleotide variant.
Coding change: c.503C>A on transcript NM_001034853.2 (MANE Select); coding-DNA position 503, C replaced by A.
Protein change: p.Ser168Tyr; replaces serine 168 with tyrosine.
Molecular consequence: missense variant. On other transcripts: non-coding transcript variant (6).
Genome position (GRCh38, 1-based): chrX:38,317,432, G>T on the plus strand (C>A on the coding strand, the complement: RPGR is on the minus strand). VCF-style: chrX-38317432-G-T. GRCh37 (hg19) VCF-style: chrX-38176685-G-T.
Other names: c.503C>A, p.Ser168Tyr (NM_000328.3, NM_001367245.1, NM_001367246.1 and 3 more transcripts); c.533C>A, p.Ser178Tyr (NM_001367248.1); c.500C>A, p.Ser167Tyr (NM_001367249.1); short protein forms S167Y, S178Y, S168Y.
Identifiers: ClinVar variation 2130912 (VCV002130912.4), dbSNP rs1601972432, ClinGen allele CA412744885.

ClinVar aggregate classification (germline): Uncertain significance (1 of 4 stars; one submission).

Conditions:
Primary ciliary dyskinesia. Also called: Ciliary dyskinesia. Identifiers: Orphanet 244, MedGen C0008780, MONDO:0016575, HP:0012265.

Submission:

Labcorp Genetics (formerly Invitae), Labcorp
Classification: Uncertain significance for Primary ciliary dyskinesia. Last evaluated: 2021-11-23. Review status: criteria provided, single submitter. Criteria: Invitae Variant Classification Sherloc (09022015). Collection method: clinical testing. Allele origin: germline.
Comment: This sequence change replaces serine, which is neutral and polar, with tyrosine, which is neutral and polar, at codon 168 of the RPGR protein (p.Ser168Tyr). This variant is not present in population databases (gnomAD no frequency). In summary, the available evidence is currently insufficient to determine the role of this variant in disease. Therefore, it has been classified as a Variant of Uncertain Significance. Algorithms developed to predict the effect of missense changes on protein structure and function are either unavailable or do not agree on the potential impact of this missense change (SIFT: "Deleterious"; PolyPhen-2: "Probably Damaging"; Align-GVGD: "Class C0"). This variant has not been reported in the literature in individuals affected with RPGR-related conditions.